The following is an entry in ClinVar:

ClinVar aggregate classification (germline): Likely pathogenic (0 of 4 stars; one submission).

Conditions:
Keratosis follicularis (DAR). Also called: Darier disease; Darier's disease. Identifiers: Orphanet 218, MedGen C0022595, MONDO:0007417, OMIM 124200.

Submission:

Medical Genetics Unit, Mauro Baschirotto Institute for Rare Disease
Classification: Likely pathogenic for Keratosis follicularis. Last evaluated: 2024-06-07. Review status: no assertion criteria provided. Collection method: provider interpretation. Allele origin: germline. Affected: yes. Observed: 1 variant allele.
Comment: The c.2161T>C (p.Ser721Pro) variant has not been published as a pathogenic variant, nor has it been reported as a benign variant to our knowledge. As far as we know, this variant has not been reported in the literature or in a large population database, indicating this variant is rare. Missense variants in this gene are a common cause of disease and they are underrepresented in the general population. This substitution occurs in P-domain at a position that is conserved across species. This novel missense variant was predicted as probably damaging by Polyphen2, deleterious by PROVEAN, damaging by FATHMM, probably damaging by PSEP, and is predicted to affect protein function by SIFT. This substitution occurs at a position that is conserved across species. This sequence change replaces serine, which is neutral and polar, with proline, which is non-polar, at codon 721 of the ATP2A2 protein. Therefore, this variant is classified likely pathogenic.

NM_170665.4(ATP2A2):c.2161T>C (p.Ser721Pro)

Gene: ATP2A2 (ATPase sarcoplasmic/endoplasmic reticulum Ca2+ transporting 2; plus strand). Cytogenetic location: 12q24.11.
Variant type: single nucleotide variant.
Coding change: c.2161T>C on transcript NM_170665.4 (MANE Select); coding-DNA position 2161, T replaced by C.
Protein change: p.Ser721Pro; replaces serine 721 with proline.
Molecular consequence: missense variant.
Genome position (GRCh38, 1-based): chr12:110,342,291, T>C. VCF-style: chr12-110342291-T-C. GRCh37 (hg19) VCF-style: chr12-110780096-T-C.
Other names: c.2056T>C, p.Ser686Pro (NM_001413013.1); c.2161T>C, p.Ser721Pro (NM_001413014.1, NM_001681.4); c.1786T>C, p.Ser596Pro (NM_001413015.1); short protein forms S596P, S686P, S721P.
Identifiers: ClinVar variation 3359250 (VCV003359250.2).